The following is an entry in ClinVar:

ClinVar aggregate classification (germline): Conflicting classifications of pathogenicity. Review status: criteria provided, conflicting classifications (1 of 4 stars). 15 submissions from 15 submitters: Uncertain significance (2); Benign (3); Likely benign (7). 3 of the submissions do not count toward it. Last evaluated 2026-08-01.

Conditions:
Cardiovascular phenotype. Identifiers: MedGen CN230736.
Cardiac arrhythmia. Also called: Cardiac rhythm disease; Arrhythmia. Identifiers: MedGen C0003811, MONDO:0007263, HP:0011675.
Long QT syndrome (LQTS). Identifiers: MedGen C0023976, MeSH D008133, MONDO:0002442. Disease mechanism: loss of function. Inheritance: Various modes of inheritance.
Long QT syndrome 2 (LQT2). Identifiers: Orphanet 101016, Orphanet 768, MedGen C3150943, MONDO:0013367, OMIM 613688.

Allele frequency attached by ClinVar (database versions not stated): 1000 Genomes Project 30x 0.00016; ESP Exome Variant Server 0.00054; ExAC 0.00056; gnomAD exomes 0.00061 and 0.00128; gnomAD 0.00073 and 0.00083; TOPMed 0.00102.

Submissions (15):

CeGaT Center for Human Genetics Tuebingen
Classification: Likely benign. Last evaluated: 2026-08-01. Review status: criteria provided, single submitter. Criteria: CeGaT Center For Human Genetics Tuebingen Variant Classification Criteria Version 2. Collection method: clinical testing. Allele origin: germline. Affected: yes. Observed: 2 variant alleles.
Comment: KCNH2: BP4, BP7, BS1

Labcorp Genetics (formerly Invitae), Labcorp
Classification: Benign for Long QT syndrome. Last evaluated: 2026-02-01. Review status: criteria provided, single submitter. Criteria: Invitae Variant Classification Sherloc (09022015). Collection method: clinical testing. Allele origin: germline.

ARUP Laboratories, Molecular Genetics and Genomics, ARUP Laboratories
Classification: Likely benign. Last evaluated: 2025-05-29. Review status: criteria provided, single submitter. Criteria: ARUP Molecular Germline Variant Investigation Process 2024. Collection method: clinical testing. Allele origin: germline.

Blueprint Genetics
Classification: Likely benign. Last evaluated: 2024-11-19. Review status: criteria provided, single submitter. Criteria: ACMG Guidelines, 2015. Collection method: clinical testing. Allele origin: germline.

All of Us Research Program, National Institutes of Health
Classification: Likely benign for Long QT syndrome. Last evaluated: 2024-02-05. Review status: criteria provided, single submitter. Criteria: ACMG Guidelines, 2015. Collection method: clinical testing. Allele origin: germline. Inheritance: Autosomal dominant inheritance. Observed: 205 variant alleles, 205 heterozygotes.
Comment: This study involves interpretation of variants in research participants for the purpose of population health screening. Participant phenotype was not available at the time of variant classification. Additional details can be found in publication PMID: 35346344, PMCID: PMC8962531

Molecular Diagnostic Laboratory for Inherited Cardiovascular Disease, Montreal Heart Institute
Classification: Likely benign. Last evaluated: 2020-05-30. Review status: criteria provided, single submitter. Criteria: ACMG Guidelines, 2015. Collection method: clinical testing. Allele origin: germline. Affected: yes.

Women's Health and Genetics/Laboratory Corporation of America, LabCorp
Classification: Benign. Last evaluated: 2019-10-29. Review status: criteria provided, single submitter. Criteria: LabCorp Variant Classification Summary - May 2015. Collection method: clinical testing. Allele origin: germline.
Comment: Variant summary: KCNH2 c.51C>G results in a synonymous change. 5/5 computational tools predict no significant impact on normal splicing. However, these predictions have yet to be confirmed by functional studies. The variant allele was found at a frequency of 0.00061 in 240046 control chromosomes, predominantly at a frequency of 0.0012 within the Non-Finnish European subpopulation in the gnomAD database, including 1 homozygotes. The observed variant frequency within Non-Finnish European control individuals in the gnomAD database is approximately 12 fold of the estimated maximal expected allele frequency for a pathogenic variant in KCNH2 causing Arrhythmia phenotype (0.0001), strongly suggesting that the variant is a benign polymorphism found primarily in populations of Non-Finnish European origin. c.51C>G has been reported in the literature in individuals affected with Arrhythmia (Berge_2008). This report does not provide an unequivocal conclusion about association of the variant with Arrhythmia (Berge_2008). To our knowledge, no experimental evidence demonstrating an impact on protein function has been reported. Five ClinVar submissions (evaluation after 2014) cite the variant twice as uncertain significance, twice as likely benign and once as benign. Based on the evidence outlined above, the variant was classified as benign.

Color Diagnostics, LLC DBA Color Health
Classification: Likely benign for Arrhythmia. Last evaluated: 2018-07-02. Review status: criteria provided, single submitter. Criteria: ACMG Guidelines, 2015. Collection method: clinical testing. Allele origin: germline.

Illumina Laboratory Services, Illumina
Classification: Uncertain significance for Long QT syndrome 2. Last evaluated: 2018-01-13. Review status: criteria provided, single submitter. Criteria: ICSL Variant Classification Criteria 13 December 2019. Collection method: clinical testing. Allele origin: germline.

Ambry Genetics
Classification: Likely benign for Cardiovascular phenotype. Last evaluated: 2016-01-21. Review status: criteria provided, single submitter. Criteria: Ambry Variant Classification Scheme 2023. Collection method: clinical testing. Allele origin: germline.

Eurofins Ntd Llc (ga)
Classification: Uncertain significance. Last evaluated: 2015-08-17. Review status: criteria provided, single submitter. Criteria: EGL Classification Definitions 2015. Collection method: clinical testing. Allele origin: germline. Observed: 2 variant alleles, 2 heterozygotes.

GeneDx
Classification: Benign. Last evaluated: 2013-01-17. Review status: criteria provided, single submitter. Criteria: GeneDx Variant Classification (06012015). Collection method: clinical testing. Allele origin: germline. Affected: yes.
Comment: This variant is considered likely benign or benign based on one or more of the following criteria: it is a conservative change, it occurs at a poorly conserved position in the protein, it is predicted to be benign by multiple in silico algorithms, and/or has population frequency not consistent with disease.

Clinical Genetics, Academic Medical Center
Classification: Benign. Review status: no assertion criteria provided. Collection method: clinical testing. Allele origin: germline. Affected: yes. Study: VKGL Data-share Consensus. Not counted in ClinVar's aggregate classification.

Genome Diagnostics Laboratory, University Medical Center Utrecht
Classification: Likely benign. Review status: no assertion criteria provided. Collection method: clinical testing. Allele origin: germline. Affected: yes. Study: VKGL Data-share Consensus. Not counted in ClinVar's aggregate classification.

Joint Genome Diagnostic Labs from Nijmegen and Maastricht, Radboudumc and MUMC+
Classification: Likely benign. Review status: no assertion criteria provided. Collection method: clinical testing. Allele origin: germline. Affected: yes. Study: VKGL Data-share Consensus. Not counted in ClinVar's aggregate classification.

Literature cited by the submitters: PubMed 18752142 (cited by Women's Health and Genetics/Laboratory Corporation of America, LabCorp).

NM_000238.4(KCNH2):c.51C>G (p.Thr17=)

Gene: KCNH2 (potassium voltage-gated channel subfamily H member 2; minus strand). Cytogenetic location: 7q36.1.
Variant type: single nucleotide variant.
Coding change: c.51C>G on transcript NM_000238.4 (MANE Select); coding-DNA position 51, C replaced by G.
Protein change: p.Thr17=; no amino-acid change (threonine 17 retained).
Molecular consequence: synonymous variant. On other transcripts: non-coding transcript variant (1).
Genome position (GRCh38, 1-based): chr7:150,977,863, G>C on the plus strand (C>G on the coding strand, the complement: KCNH2 is on the minus strand). VCF-style: chr7-150977863-G-C. GRCh37 (hg19) VCF-style: chr7-150674951-G-C.
Other names: p.T17T:ACC>ACG; c.51C>G, p.Thr17= (NM_172056.3).
Identifiers: ClinVar variation 200272 (VCV000200272.45), dbSNP rs144338227, ClinGen allele CA008539.